The following is an entry in ClinVar:

NM_001160372.4(TRAPPC9):c.3438G>A (p.Ala1146=)

Gene: TRAPPC9 (trafficking protein particle complex subunit 9; minus strand). Cytogenetic location: 8q24.3.
Variant type: single nucleotide variant.
Coding change: c.3438G>A on transcript NM_001160372.4 (MANE Select); coding-DNA position 3438, G replaced by A.
Protein change: p.Ala1146=; no amino-acid change (alanine 1146 retained).
Molecular consequence: synonymous variant. On other transcripts: non-coding transcript variant (1).
Genome position (GRCh38, 1-based): chr8:139,731,070, C>T on the plus strand (G>A on the coding strand, the complement: TRAPPC9 is on the minus strand). VCF-style: chr8-139731070-C-T. GRCh37 (hg19) VCF-style: chr8-140743313-C-T.
Other names: c.3411G>A, p.Ala1137= (NM_001321646.2); c.3459G>A, p.Ala1153= (NM_001374682.1); c.3327G>A, p.Ala1109= (NM_001374683.1); c.3294G>A, p.Ala1098= (NM_001374684.1); c.3438G>A, p.Ala1146= (NM_031466.8).
Identifiers: ClinVar variation 758433 (VCV000758433.34), dbSNP rs574908324, ClinGen allele CA4892702.

ClinVar aggregate classification (germline): Likely benign. Review status: criteria provided, multiple submitters, no conflicts (2 of 4 stars). 4 submissions from 4 submitters: Likely benign (4). Last evaluated 2025-02-24.

Conditions:
Inborn genetic diseases. Identifiers: MedGen C0950123, MeSH D030342.

Allele frequency attached by ClinVar (database versions not stated): TOPMed 0.00010; gnomAD 0.00019.
gnomAD v4.1: 162 of 1,612,570 alleles (0.01%); highest among the groups gnomAD compares: Middle Eastern, 0.11%; no homozygotes.

Submissions (4):

Labcorp Genetics (formerly Invitae), Labcorp
Classification: Likely benign. Last evaluated: 2025-02-24. Review status: criteria provided, single submitter. Criteria: Invitae Variant Classification Sherloc (09022015). Collection method: clinical testing. Allele origin: germline.

CeGaT Center for Human Genetics Tuebingen
Classification: Likely benign. Last evaluated: 2022-12-01. Review status: criteria provided, single submitter. Criteria: CeGaT Center For Human Genetics Tuebingen Variant Classification Criteria Version 2. Collection method: clinical testing. Allele origin: germline. Affected: yes. Observed: 1 variant allele.
Comment: TRAPPC9: BP4, BP7

Ambry Genetics
Classification: Likely benign for Inborn genetic diseases. Last evaluated: 2019-06-06. Review status: criteria provided, single submitter. Criteria: Ambry Variant Classification Scheme 2023. Collection method: clinical testing. Allele origin: germline.

Breakthrough Genomics
Classification: Likely benign. Review status: criteria provided, single submitter. Criteria: ACMG Guidelines, 2015. Collection method: not provided. Allele origin: germline. Inheritance: Autosomal recessive inheritance. Affected: yes.